The following is an entry in ClinVar:

NC_000016.9:g.(?_68835559)_(68867794_?)dup

Gene: CDH1 (cadherin 1; plus strand). Cytogenetic location: 16q22.1.
Variant type: Duplication.
Identifiers: ClinVar variation 1011073 (VCV001011073.1).

ClinVar aggregate classification (germline): Uncertain significance (1 of 4 stars; one submission).

Conditions:
Hereditary diffuse gastric adenocarcinoma (HDGC). Also called: DIFFUSE GASTRIC AND LOBULAR BREAST CANCER SYNDROME. Identifiers: Orphanet 26106, MedGen C1708349, MONDO:0007648, OMIM 137215.

Submission:

Labcorp Genetics (formerly Invitae), Labcorp
Classification: Uncertain significance for Hereditary diffuse gastric adenocarcinoma. Last evaluated: 2014-09-17. Review status: criteria provided, single submitter. Criteria: Invitae Variant Classification Sherloc (09022015). Collection method: clinical testing. Allele origin: germline.
Comment: This sequence change is a gross duplication of the genomic region encompassing exons 3-16 of the CDH1 gene. This duplication extends to the edge of the assayed region; therefore, the 3' boundary of this event is not known. This duplication has not been published in the literature. While the exact position of the duplicated exons cannot be determined from this data, the most likely explanation is that it occurs in tandem. Whether this results in an absent or disrupted protein product remains uncertain. Therefore, it has been classified as a Variant of Uncertain Significance.